The following is an entry in ClinVar:

ClinVar aggregate classification (germline): Conflicting classifications of pathogenicity. Review status: criteria provided, conflicting classifications (1 of 4 stars). 12 submissions from 12 submitters: Pathogenic (7); Likely pathogenic (4); Uncertain significance (1). Last evaluated 2026-05-05.

Conditions:
PDE6A-related disorder. Also called: PDE6A-related condition.
Retinitis pigmentosa (RP). Identifiers: Orphanet 791, MedGen C0035334, MeSH D012174, MONDO:0019200, OMIM 268000. Inheritance: Autosomal dominant, autosomal recessive and X linked inheritance.
Retinitis pigmentosa 43 (RP43). Identifiers: Orphanet 791, MedGen C3151139, MONDO:0013437, OMIM 613810.

Allele frequency attached by ClinVar (database versions not stated): gnomAD 0.00015 and 0.00014; gnomAD exomes 0.00012; TOPMed 0.00012; ExAC 0.00010; ESP Exome Variant Server 0.00015.
gnomAD v4.1: 197 of 1,613,486 alleles (0.012%); highest among the groups gnomAD compares: Admixed American, 0.023%; no homozygotes.

Submissions (12):

PreventionGenetics, part of Exact Sciences
Classification: Pathogenic for PDE6A-related condition. Last evaluated: 2026-05-05. Review status: criteria provided, single submitter. Criteria: ACMG Guidelines, 2015. Collection method: clinical testing. Allele origin: germline.
Comment: The PDE6A c.1705C>A variant is predicted to result in the amino acid substitution p.Gln569Lys. This variant has been reported many times in individuals with autosomal recessive retinitis pigmentosa (see for examples: Bryant et al. 2017. PubMed ID: 29343940; Ezquerra-Inchausti et al. 2018. PubMed ID: 30337596; Table S2, Zampaglione et al. 2020. PubMed ID: 32037395; Table S1, Lin et al. 2024. PubMed ID: 38219857). This variant is present in 0.028% of alleles in individuals of Latino descent in gnomAD. Given the evidence, we interpret this variant as pathogenic.

Labcorp Genetics (formerly Invitae), Labcorp
Classification: Pathogenic. Last evaluated: 2025-11-28. Review status: criteria provided, single submitter. Criteria: Invitae Variant Classification Sherloc (09022015). Collection method: clinical testing. Allele origin: germline.
Comment: This sequence change replaces glutamine, which is neutral and polar, with lysine, which is basic and polar, at codon 569 of the PDE6A protein (p.Gln569Lys). This variant is present in population databases (rs139444207, gnomAD 0.03%). This missense change has been observed in individual(s) with retinitis pigmentosa (PMID: 10393062, 21151602, 29343940). In at least one individual the data is consistent with being in trans (on the opposite chromosome) from a pathogenic variant. It has also been observed to segregate with disease in related individuals. ClinVar contains an entry for this variant (Variation ID: 167431). Invitae Evidence Modeling of protein sequence and biophysical properties (such as structural, functional, and spatial information, amino acid conservation, physicochemical variation, residue mobility, and thermodynamic stability) has been performed for this missense variant. However, the output from this modeling did not meet the statistical confidence thresholds required to predict the impact of this variant on PDE6A protein function. For these reasons, this variant has been classified as Pathogenic.

3billion
Classification: Pathogenic for Retinitis pigmentosa 43. Last evaluated: 2025-02-25. Review status: criteria provided, single submitter. Criteria: ACMG Guidelines, 2015. Collection method: clinical testing. Allele origin: germline. Affected: yes.
Comment: The variant is observed at an extremely low frequency in the gnomAD v4.1.0 dataset (total allele frequency: 0.012%). Predicted Consequence/Location: Missense variant. The majority of the known disease-causing variants of this gene are variants expected to result in premature termination of the protein. In silico tool predictions suggest damaging effect of the variant on gene or gene product [REVEL: 0.87 (>=0.6, sensitivity 0.68 and specificity 0.92); 3Cnet: 0.90 (>=0.6, sensitivity 0.72 and precision 0.9)]. The same nucleotide change resulting in the same amino acid change has been previously reported as pathogenic/likely pathogenic with strong evidence (ClinVar ID: VCV000167431 /PMID: 10393062). The variant has been reported to be in trans with a pathogenic variant as either compound heterozygous or homozygous in at least 4 similarly affected unrelated individuals (PMID: 30337596, 33057649). Therefore, this variant is classified as Pathogenic according to the recommendation of ACMG/AMP guideline.

CeGaT Center for Human Genetics Tuebingen
Classification: Pathogenic. Last evaluated: 2025-02-01. Review status: criteria provided, single submitter. Criteria: CeGaT Center For Human Genetics Tuebingen Variant Classification Criteria Version 2. Collection method: clinical testing. Allele origin: germline. Affected: yes. Observed: 3 variant alleles.
Comment: PDE6A: PM3:Very Strong, PM2, PP3

Fulgent Genetics
Classification: Likely pathogenic for Retinitis pigmentosa 43. Last evaluated: 2024-06-11. Review status: criteria provided, single submitter. Criteria: ACMG Guidelines, 2015. Collection method: clinical testing. Allele origin: germline.

GeneDx
Classification: Pathogenic. Last evaluated: 2024-04-24. Review status: criteria provided, single submitter. Criteria: GeneDx Variant Classification Process June 2021. Collection method: clinical testing. Allele origin: germline. Affected: yes.
Comment: In silico analysis supports that this missense variant has a deleterious effect on protein structure/function; This variant is associated with the following publications: (PMID: 30337596, 10393062, 31049658, 29343940, 26806561, 30998820, 31736247, 33057649, 33576794, 32037395, 21151602)

Blueprint Genetics
Classification: Pathogenic for PDE6A-related disorders. Last evaluated: 2024-01-29. Review status: criteria provided, single submitter. Criteria: ACMG Guidelines, 2015. Collection method: clinical testing. Allele origin: germline. Affected: yes. Observed: 5 variant alleles.

Mendelics
Classification: Pathogenic for Retinitis pigmentosa 43. Last evaluated: 2022-05-04. Review status: criteria provided, single submitter. Criteria: Mendelics Assertion Criteria 2019. Collection method: clinical testing. Allele origin: germline.

Ocular Genomics Institute, Massachusetts Eye and Ear
Classification: Likely pathogenic for Retinitis pigmentosa 43. Last evaluated: 2021-04-08. Review status: criteria provided, single submitter. Criteria: ACMG Guidelines, 2015. Collection method: research. Allele origin: germline. Affected: yes.
Comment: Through a review of available evidence we were able to apply the following criteria: PS1, PM2, PP3. Based on this evidence we have classified this variant as Likely Pathogenic.

Broad Center for Mendelian Genomics, Broad Institute of MIT and Harvard
Classification: Likely pathogenic for Retinitis pigmentosa. Last evaluated: 2021-04-01. Review status: criteria provided, single submitter. Criteria: ACMG Guidelines, 2015. Collection method: curation. Allele origin: germline. Inheritance: Autosomal recessive inheritance. Affected: yes.
Comment: Through a review of available evidence we were able to apply the following criteria: PS1, PM2. PP3. Based on this evidence we have classified this variant as Likely Pathogenic. If you have any questions about the classification please reach out to the Pierce Lab.

Illumina Laboratory Services, Illumina
Classification: Likely pathogenic for Retinitis pigmentosa. Last evaluated: 2016-09-02. Review status: criteria provided, single submitter. Criteria: ICSL Variant Classification Criteria 09 May 2019. Collection method: clinical testing. Allele origin: germline.
Comment: The PDE6A c.1705C>A (p.Gln569Lys) missense variant has been reported in two studies and is found in a total of five individuals with autosomal recessive retinitis pigmentosa, including one homozygote and four compound heterozygotes (Dryja et al. 1999; Avila-Fernandez 2010). The variant is also found in a heterozygous state in six unaffected relatives of the affected individuals. The p.Gln569Lys variant was absent from 70 controls but is reported at a frequency of 0.00026 in the Latino population of the Exome Aggregation Consortium. Based on the evidence, the p.Gln569Lys variant is classified as likely pathogenic for autosomal recessive retinitis pigmentosa. This variant was observed by ICSL as part of a predisposition screen in an ostensibly healthy population.

Eurofins Ntd Llc (ga)
Classification: Uncertain significance. Last evaluated: 2014-04-07. Review status: criteria provided, single submitter. Criteria: EGL Classification Definitions 2015. Collection method: clinical testing. Allele origin: germline. Observed: 1 variant allele, 1 heterozygote.

Literature cited by the submitters: PubMed 10393062 (cited by 6 submitters); PubMed 21151602 (cited by 4 submitters); PubMed 29343940 (cited by 3 submitters); PubMed 30337596 (cited by 3 submitters); PubMed 33057649 (cited by 3billion); PubMed 34906470 (cited by Broad Center for Mendelian Genomics, Broad Institute of MIT and Harvard).

NM_000440.3(PDE6A):c.1705C>A (p.Gln569Lys)

Gene: PDE6A (phosphodiesterase 6A; minus strand). Cytogenetic location: 5q32.
Variant type: single nucleotide variant.
Coding change: c.1705C>A on transcript NM_000440.3 (MANE Select); coding-DNA position 1705, C replaced by A.
Protein change: p.Gln569Lys; replaces glutamine 569 with lysine.
Molecular consequence: missense variant.
Genome position (GRCh38, 1-based): chr5:149,895,206, G>T on the plus strand (C>A on the coding strand, the complement: PDE6A is on the minus strand). VCF-style: chr5-149895206-G-T. GRCh37 (hg19) VCF-style: chr5-149274769-G-T.
Other names: short protein forms Q569K.
Identifiers: ClinVar variation 167431 (VCV000167431.57), dbSNP rs139444207, ClinGen allele CA234508.